The following is an entry in ClinVar:

ClinVar aggregate classification (germline): Uncertain significance. Review status: criteria provided, single submitter (1 of 4 stars). 2 submissions from 2 submitters: Uncertain significance (1). 1 of the submissions does not count toward it. Last evaluated 2022-08-22.

Conditions:
C5-related disorder. Also called: C5-related condition.

Allele frequency attached by ClinVar (database versions not stated): ExAC 0.00002; gnomAD exomes 0.00002 and 0.00004; 1000 Genomes Project 30x 0.00016; 1000 Genomes Project 0.00020; gnomAD 0.00024; TOPMed 0.00037.
gnomAD v4.1: 65 of 1,590,674 alleles (0.0041%); highest among the groups gnomAD compares: Admixed American, 0.095%; no homozygotes.

Submissions (2):

Labcorp Genetics (formerly Invitae), Labcorp
Classification: Uncertain significance. Last evaluated: 2022-08-22. Review status: criteria provided, single submitter. Criteria: Invitae Variant Classification Sherloc (09022015). Collection method: clinical testing. Allele origin: germline.
Comment: This sequence change falls in intron 37 of the C5 gene. It does not directly change the encoded amino acid sequence of the C5 protein. It affects a nucleotide within the consensus splice site. This variant is present in population databases (rs529659789, gnomAD 0.03%). This variant has not been reported in the literature in individuals affected with C5-related conditions. ClinVar contains an entry for this variant (Variation ID: 1354458). Variants that disrupt the consensus splice site are a relatively common cause of aberrant splicing (PMID: 17576681, 9536098). Algorithms developed to predict the effect of sequence changes on RNA splicing suggest that this variant is not likely to affect RNA splicing. In summary, the available evidence is currently insufficient to determine the role of this variant in disease. Therefore, it has been classified as a Variant of Uncertain Significance.

PreventionGenetics, part of Exact Sciences
Classification: Likely benign for C5-related condition. Last evaluated: 2023-10-03. Review status: no assertion criteria provided. Collection method: clinical testing. Allele origin: germline. Not counted in ClinVar's aggregate classification.
Comment: This variant is classified as likely benign based on ACMG/AMP sequence variant interpretation guidelines (Richards et al. 2015 PMID: 25741868, with internal and published modifications).

Literature cited by the submitters: PubMed 17576681 (cited by Labcorp Genetics (formerly Invitae), Labcorp); PubMed 9536098 (cited by Labcorp Genetics (formerly Invitae), Labcorp).

NM_001735.3(C5):c.4588+6C>T

Gene: C5 (complement C5; minus strand). Cytogenetic location: 9q33.2.
Variant type: single nucleotide variant.
Coding change: c.4588+6C>T on transcript NM_001735.3 (MANE Select); 6 bases into the intron after coding-DNA position 4588, C replaced by T.
Molecular consequence: intron variant.
Genome position (GRCh38, 1-based): chr9:120,961,476, G>A on the plus strand (C>T on the coding strand, the complement: C5 is on the minus strand). VCF-style: chr9-120961476-G-A. GRCh37 (hg19) VCF-style: chr9-123723754-G-A.
Other names: c.4606+6C>T (NM_001317163.2); c.4588+6C>T (NM_001735.2).
Identifiers: ClinVar variation 1354458 (VCV001354458.5), dbSNP rs529659789, ClinGen allele CA5217136.